The following is an entry in ClinVar:

NM_004655.4(AXIN2):c.2494G>A (p.Glu832Lys)

Gene: AXIN2 (axin 2; minus strand). Cytogenetic location: 17q24.1.
Variant type: single nucleotide variant.
Coding change: c.2494G>A on transcript NM_004655.4 (MANE Select); coding-DNA position 2494, G replaced by A.
Protein change: p.Glu832Lys; replaces glutamic acid 832 with lysine.
Molecular consequence: missense variant.
Genome position (GRCh38, 1-based): chr17:65,530,014, C>T on the plus strand (G>A on the coding strand, the complement: AXIN2 is on the minus strand). VCF-style: chr17-65530014-C-T. GRCh37 (hg19) VCF-style: chr17-63526132-C-T.
Other names: c.2299G>A, p.Glu767Lys (NM_001363813.1); short protein forms E767K, E832K.
Identifiers: ClinVar variation 5032542 (VCV005032542.1).

ClinVar aggregate classification (germline): Uncertain significance (1 of 4 stars; one submission).

Conditions:
Hereditary cancer-predisposing syndrome. Also called: Neoplastic Syndromes, Hereditary; Tumor predisposition; Hereditary neoplastic syndrome; Hereditary Cancer Syndrome. Identifiers: Orphanet 140162, MedGen C0027672, MeSH D009386, MONDO:0015356.

Submission:

Ambry Genetics
Classification: Uncertain significance for Hereditary cancer-predisposing syndrome. Last evaluated: 2026-07-06. Review status: criteria provided, single submitter. Criteria: Ambry Variant Classification Scheme 2023. Collection method: clinical testing. Allele origin: germline.
Comment: The p.E832K variant (also known as c.2494G>A), located in coding exon 10 of the AXIN2 gene, results from a G to A substitution at nucleotide position 2494. The glutamic acid at codon 832 is replaced by lysine, an amino acid with similar properties. This amino acid position is conserved. In addition, this alteration is predicted to be deleterious by in silico analysis. Based on the available evidence, the clinical significance of this variant remains unclear.